The following is an entry in ClinVar:

ClinVar aggregate classification (germline): Pathogenic (1 of 4 stars; one submission).

Conditions:
Congenital microcephaly - severe encephalopathy - progressive cerebral atrophy syndrome. Also called: ASNS DEFICIENCY; Asparagine synthetase deficiency. Identifiers: Orphanet 391376, MedGen C3809971, MONDO:0014258, OMIM 615574.

gnomAD v4.1: 1 of 1,614,176 alleles (0.000062%); highest among the groups gnomAD compares: East Asian, 0.0022%; no homozygotes.

Submission:

MGZ Medical Genetics Center
Classification: Pathogenic for Congenital microcephaly - severe encephalopathy - progressive cerebral atrophy syndrome. Last evaluated: 2022-01-26. Review status: criteria provided, single submitter. Criteria: ACMG Guidelines, 2015. Collection method: clinical testing. Allele origin: germline. Affected: yes. Observed: 1 variant allele.
Comment: ACMG criteria applied: PVS1, PM2_SUP, PM3_SUP

NM_001673.5(ASNS):c.213G>A (p.Trp71Ter)

Genes: ASNS (asparagine synthetase (glutamine-hydrolyzing); minus strand), CZ1P-ASNS (CZ1P-ASNS readthrough; minus strand). Cytogenetic location: 7q21.3.
Variant type: single nucleotide variant.
Coding change: c.213G>A on transcript NM_001673.5 (MANE Select); coding-DNA position 213, G replaced by A.
Protein change: p.Trp71Ter; replaces tryptophan 71 with a stop codon.
Molecular consequence: nonsense. On other transcripts: non-coding transcript variant (1), intron variant (2).
Genome position (GRCh38, 1-based): chr7:97,868,944, C>T on the plus strand (G>A on the coding strand, the complement: ASNS is on the minus strand). VCF-style: chr7-97868944-C-T. GRCh37 (hg19) VCF-style: chr7-97498256-C-T.
Other names: c.150G>A, p.Trp50Ter (NM_001178075.2); c.213G>A, p.Trp71Ter (NM_001352496.2, NM_133436.3, NM_183356.4); c.-1+3407G>A (NM_001178076.2); c.-1+3097G>A (NM_001178077.1); short protein forms W50*, W71*.
Identifiers: ClinVar variation 1709129 (VCV001709129.2), dbSNP rs1183100703, ClinGen allele CA368273862.